The following is an entry in ClinVar:

NM_001904.4(CTNNB1):c.1185+4A>C

Genes: CTNNB1 (catenin beta 1; plus strand), LOC126806659 (BRD4-independent group 4 enhancer GRCh37_chr3:41274918-41276117; plus strand). Cytogenetic location: 3p22.1.
Variant type: single nucleotide variant.
Coding change: c.1185+4A>C on transcript NM_001904.4 (MANE Select); 4 bases into the intron after coding-DNA position 1185, A replaced by C.
Molecular consequence: intron variant.
Genome position (GRCh38, 1-based): chr3:41,233,448, A>C. VCF-style: chr3-41233448-A-C. GRCh37 (hg19) VCF-style: chr3-41274939-A-C.
Other names: c.1164+4A>C (NM_001330729.2); c.1185+4A>C (NM_001098209.2, NM_001098210.2).
Identifiers: ClinVar variation 3002149 (VCV003002149.3), dbSNP rs1162656865, ClinGen allele CA542617393.

ClinVar aggregate classification (germline): Uncertain significance (1 of 4 stars; one submission).

Allele frequency attached by ClinVar (database versions not stated): gnomAD exomes below 0.00001; TOPMed below 0.00001.

Submission:

Labcorp Genetics (formerly Invitae), Labcorp
Classification: Uncertain significance. Last evaluated: 2024-01-09. Review status: criteria provided, single submitter. Criteria: Invitae Variant Classification Sherloc (09022015). Collection method: clinical testing. Allele origin: germline.
Comment: This sequence change falls in intron 8 of the CTNNB1 gene. It does not directly change the encoded amino acid sequence of the CTNNB1 protein. It affects a nucleotide within the consensus splice site. This variant is present in population databases (no rsID available, gnomAD 0.002%). This variant has not been reported in the literature in individuals affected with CTNNB1-related conditions. Variants that disrupt the consensus splice site are a relatively common cause of aberrant splicing (PMID: 17576681, 9536098). Algorithms developed to predict the effect of sequence changes on RNA splicing suggest that this variant is not likely to affect RNA splicing. In summary, the available evidence is currently insufficient to determine the role of this variant in disease. Therefore, it has been classified as a Variant of Uncertain Significance.

Literature cited by the submitters: PubMed 17576681; PubMed 9536098.